The following is an entry in ClinVar:

NM_001001331.4(ATP2B2):c.1813G>A (p.Val605Met)

Gene: ATP2B2 (ATPase plasma membrane Ca2+ transporting 2; minus strand). Cytogenetic location: 3p25.3.
Variant type: single nucleotide variant.
Coding change: c.1813G>A on transcript NM_001001331.4 (MANE Select); coding-DNA position 1813, G replaced by A.
Protein change: p.Val605Met; replaces valine 605 with methionine.
Molecular consequence: missense variant.
Genome position (GRCh38, 1-based): chr3:10,359,970, C>T on the plus strand (G>A on the coding strand, the complement: ATP2B2 is on the minus strand). VCF-style: chr3-10359970-C-T. GRCh37 (hg19) VCF-style: chr3-10401654-C-T.
Other names: c.1678G>A, p.Val560Met (NM_001330611.3, NM_001353564.1, NM_001363862.1 and 1 more transcripts); short protein forms V560M, V605M.
Identifiers: ClinVar variation 2588833 (VCV002588833.9), dbSNP rs199991046, ClinGen allele CA2253574.

ClinVar aggregate classification (germline): Conflicting classifications of pathogenicity. Review status: criteria provided, conflicting classifications (1 of 4 stars). 2 submissions from 2 submitters: Uncertain significance (1); Likely benign (1). Last evaluated 2025-10-01.

Allele frequency attached by ClinVar (database versions not stated): ExAC 0.00003; TOPMed 0.00005; gnomAD 0.00006; gnomAD exomes 0.00006; 1000 Genomes Project 30x 0.00016; 1000 Genomes Project 0.00020.
gnomAD v4.1: 102 of 1,614,240 alleles (0.0063%); highest among the groups gnomAD compares: Non-Finnish European, 0.0077%; no homozygotes.

Submissions (2):

CeGaT Center for Human Genetics Tuebingen
Classification: Likely benign. Last evaluated: 2025-10-01. Review status: criteria provided, single submitter. Criteria: CeGaT Center For Human Genetics Tuebingen Variant Classification Criteria Version 2. Collection method: clinical testing. Allele origin: germline. Affected: yes. Observed: 1 variant allele.
Comment: ATP2B2: PP3, BS2

Ambry Genetics
Classification: Uncertain significance. Last evaluated: 2025-08-25. Review status: criteria provided, single submitter. Criteria: Ambry Variant Classification Scheme 2023. Collection method: clinical testing. Allele origin: germline.